The following is an entry in ClinVar:

NM_000098.3(CPT2):c.1033G>T (p.Gly345Trp)

Gene: CPT2 (carnitine palmitoyltransferase 2; plus strand). Cytogenetic location: 1p32.3.
Variant type: single nucleotide variant.
Coding change: c.1033G>T on transcript NM_000098.3 (MANE Select); coding-DNA position 1033, G replaced by T.
Protein change: p.Gly345Trp; replaces glycine 345 with tryptophan.
Molecular consequence: missense variant.
Genome position (GRCh38, 1-based): chr1:53,210,707, G>T. VCF-style: chr1-53210707-G-T. GRCh37 (hg19) VCF-style: chr1-53676379-G-T.
Other names: c.1033G>T, p.Gly345Trp (NM_001330589.2); short protein forms G345W.
Identifiers: ClinVar variation 4065415 (VCV004065415.2).

ClinVar aggregate classification (germline): Uncertain significance. Review status: criteria provided, single submitter (1 of 4 stars). 2 submissions from 2 submitters: Uncertain significance (1). 1 of the submissions does not count toward it. Last evaluated 2026-01-28.

Conditions:
Carnitine palmitoyltransferase II deficiency. Also called: Carnitine Palmitoyltransferase 2 Deficiency. Identifiers: Orphanet 157, MedGen C0342790, MONDO:0015515.

gnomAD v4.1: 3 of 1,614,068 alleles (0.00019%); highest among the groups gnomAD compares: Non-Finnish European, 0.00017%; no homozygotes.

Submissions (2):

Women's Health and Genetics/Laboratory Corporation of America, LabCorp
Classification: Uncertain significance. Last evaluated: 2026-01-28. Review status: criteria provided, single submitter. Criteria: LabCorp Variant Classification Summary - May 2015. Collection method: clinical testing. Allele origin: germline.
Comment: Variant summary: CPT2 c.1033G>T (p.Gly345Trp) results in a non-conservative amino acid change in the encoded protein sequence. Algorithms developed to predict the effect of missense changes on protein structure and function all suggest that this variant is likely to be disruptive. The variant allele was found at a frequency of 8e-06 in 251062 control chromosomes. The available data on variant occurrences in the general population are insufficient to allow any conclusion about variant significance. To our knowledge, no occurrence of c.1033G>T in individuals affected with CPT2-related conditions and no experimental evidence demonstrating its impact on protein function have been reported. ClinVar contains an entry for this variant (Variation ID: 4065415). Based on the evidence outlined above, the variant was classified as uncertain significance.

Natera, Inc.
Classification: Uncertain significance for Carnitine palmitoyltransferase II deficiency. Last evaluated: 2025-05-29. Review status: no assertion criteria provided. Collection method: clinical testing. Allele origin: germline. Not counted in ClinVar's aggregate classification.